The following is an entry in ClinVar:

ClinVar aggregate classification (germline): Likely benign. Review status: criteria provided, multiple submitters, no conflicts (2 of 4 stars). 4 submissions from 4 submitters: Likely benign (4). Last evaluated 2026-03-27.

Conditions:
Cardiovascular phenotype. Identifiers: MedGen CN230736.
Autosomal recessive limb-girdle muscular dystrophy type 2J (LGMDR10). Also called: Limb-girdle muscular dystrophy, type 2J; MUSCULAR DYSTROPHY, LIMB-GIRDLE, AUTOSOMAL RECESSIVE 10. Identifiers: Orphanet 140922, MedGen C1837342, MONDO:0012127, OMIM 608807.
Dilated cardiomyopathy 1G (CMD1G). Identifiers: Orphanet 154, MedGen C1858763, MONDO:0011400, OMIM 604145.

Allele frequency attached by ClinVar (database versions not stated): gnomAD 0.00001; gnomAD exomes 0.00001; TOPMed 0.00002.
gnomAD v4.1: 7 of 1,613,660 alleles (0.00043%); highest among the groups gnomAD compares: Non-Finnish European, 0.00059%; no homozygotes.

Submissions (4):

Molecular Diagnostic Laboratory for Inherited Cardiovascular Disease, Montreal Heart Institute
Classification: Likely benign. Last evaluated: 2026-03-27. Review status: criteria provided, single submitter. Criteria: ACMG Guidelines, 2015. Collection method: clinical testing. Allele origin: germline. Affected: no.
Comment: BP7

Labcorp Genetics (formerly Invitae), Labcorp
Classification: Likely benign for Dilated cardiomyopathy 1G; Autosomal recessive limb-girdle muscular dystrophy type 2J. Last evaluated: 2025-05-12. Review status: criteria provided, single submitter. Criteria: Invitae Variant Classification Sherloc (09022015). Collection method: clinical testing. Allele origin: germline.

Ambry Genetics
Classification: Likely benign for Cardiovascular phenotype. Last evaluated: 2024-09-08. Review status: criteria provided, single submitter. Criteria: Ambry Variant Classification Scheme 2023. Collection method: clinical testing. Allele origin: germline.

Blueprint Genetics
Classification: Likely benign. Last evaluated: 2021-12-01. Review status: criteria provided, single submitter. Criteria: ACMG Guidelines, 2015. Collection method: clinical testing. Allele origin: germline.

NM_001267550.2(TTN):c.6094A>C (p.Arg2032=)

Gene: TTN (titin; minus strand). Cytogenetic location: 2q31.2.
Variant type: single nucleotide variant.
Coding change: c.6094A>C on transcript NM_001267550.2 (MANE Select); coding-DNA position 6094, A replaced by C.
Protein change: p.Arg2032=; no amino-acid change (arginine 2032 retained).
Molecular consequence: synonymous variant.
Genome position (GRCh38, 1-based): chr2:178,775,770, T>G on the plus strand (A>C on the coding strand, the complement: TTN is on the minus strand). VCF-style: chr2-178775770-T-G. GRCh37 (hg19) VCF-style: chr2-179640497-T-G.
Other names: c.6094A>C, p.Arg2032= (NM_001256850.1, NM_133378.4, NM_133379.5); c.5956A>C, p.Arg1986= (NM_003319.4, NM_133432.3, NM_133437.4).
Identifiers: ClinVar variation 1093660 (VCV001093660.12), dbSNP rs1322130237, ClinGen allele CA430280317.